The following is an entry in ClinVar:

ClinVar aggregate classification (germline): Uncertain significance. Review status: criteria provided, multiple submitters, no conflicts (2 of 4 stars). 2 submissions from 2 submitters: Uncertain significance (2). Last evaluated 2026-08-06.

Conditions:
Leukodystrophy, hypomyelinating, 27 (HLD27). Identifiers: MedGen C5882743, MONDO:0958018, OMIM 620675.

Allele frequency attached by ClinVar (database versions not stated): gnomAD exomes 0.00003; ExAC 0.00004; gnomAD 0.00006 and 0.00008; TOPMed 0.00007; ESP Exome Variant Server 0.00008.
gnomAD v4.1: 67 of 1,614,046 alleles (0.0042%); highest among the groups gnomAD compares: Admixed American, 0.018%; no homozygotes.

Submissions (2):

OLLIN Analises Genomicas, OLLIN
Classification: Uncertain significance for Leukodystrophy, hypomyelinating, 27. Last evaluated: 2026-08-06. Review status: criteria provided, single submitter. Criteria: ACMG Guidelines 2015 PMID 25741868. Collection method: clinical testing. Allele origin: germline.
Comment: This missense variant, located in exon 22 (of 34), has been reported in ClinVar (accession VCV001410960.5) and in gnomAD with an allele frequency of 0.0042%. However, to our knowledge, it has not been reported in the scientific literature. In silico analysis predicts that this variant has a deleterious effect. According to the currently available evidence, this variant has been classified as uncertain significance (PM2_P, PP3).

Labcorp Genetics (formerly Invitae), Labcorp
Classification: Uncertain significance. Last evaluated: 2024-12-17. Review status: criteria provided, single submitter. Criteria: Invitae Variant Classification Sherloc (09022015). Collection method: clinical testing. Allele origin: germline.
Comment: This sequence change replaces valine, which is neutral and non-polar, with methionine, which is neutral and non-polar, at codon 1001 of the POLR1A protein (p.Val1001Met). This variant is present in population databases (rs373387047, gnomAD 0.02%). This variant has not been reported in the literature in individuals affected with POLR1A-related conditions. ClinVar contains an entry for this variant (Variation ID: 1410960). Invitae Evidence Modeling of protein sequence and biophysical properties (such as structural, functional, and spatial information, amino acid conservation, physicochemical variation, residue mobility, and thermodynamic stability) indicates that this missense variant is expected to disrupt POLR1A protein function with a positive predictive value of 80%. In summary, the available evidence is currently insufficient to determine the role of this variant in disease. Therefore, it has been classified as a Variant of Uncertain Significance.

NM_015425.6(POLR1A):c.3001G>A (p.Val1001Met)

Gene: POLR1A (RNA polymerase I subunit A; minus strand). Cytogenetic location: 2p11.2.
Variant type: single nucleotide variant.
Coding change: c.3001G>A on transcript NM_015425.6 (MANE Select); coding-DNA position 3001, G replaced by A.
Protein change: p.Val1001Met; replaces valine 1001 with methionine.
Molecular consequence: missense variant.
Genome position (GRCh38, 1-based): chr2:86,044,273, C>T on the plus strand (G>A on the coding strand, the complement: POLR1A is on the minus strand). VCF-style: chr2-86044273-C-T. GRCh37 (hg19) VCF-style: chr2-86271396-C-T.
Other names: short protein forms V1001M.
Identifiers: ClinVar variation 1410960 (VCV001410960.6), dbSNP rs373387047, ClinGen allele CA1745882.